The following is an entry in ClinVar:

ClinVar aggregate classification (germline): Uncertain significance. Review status: criteria provided, multiple submitters, no conflicts (2 of 4 stars). 2 submissions from 2 submitters: Uncertain significance (2). Last evaluated 2025-04-30.

Conditions:
Primary ciliary dyskinesia. Also called: Ciliary dyskinesia. Identifiers: Orphanet 244, MedGen C0008780, MONDO:0016575, HP:0012265.

Allele frequency attached by ClinVar (database versions not stated): gnomAD exomes below 0.00001; gnomAD 0.00004; TOPMed 0.00004.

Submissions (2):

Ambry Genetics
Classification: Uncertain significance for Primary ciliary dyskinesia. Last evaluated: 2025-04-30. Review status: criteria provided, single submitter. Criteria: Ambry Variant Classification Scheme 2023. Collection method: clinical testing. Allele origin: germline.

Labcorp Genetics (formerly Invitae), Labcorp
Classification: Uncertain significance for Primary ciliary dyskinesia. Last evaluated: 2022-06-02. Review status: criteria provided, single submitter. Criteria: Invitae Variant Classification Sherloc (09022015). Collection method: clinical testing. Allele origin: germline.
Comment: This sequence change replaces aspartic acid, which is acidic and polar, with histidine, which is basic and polar, at codon 489 of the DNAAF2 protein (p.Asp489His). This variant is present in population databases (no rsID available, gnomAD 0.02%). In summary, the available evidence is currently insufficient to determine the role of this variant in disease. Therefore, it has been classified as a Variant of Uncertain Significance. Algorithms developed to predict the effect of missense changes on protein structure and function are either unavailable or do not agree on the potential impact of this missense change (SIFT: "Deleterious"; PolyPhen-2: "Possibly Damaging"; Align-GVGD: "Class C0"). This variant has not been reported in the literature in individuals affected with DNAAF2-related conditions.

NM_018139.3(DNAAF2):c.1465G>C (p.Asp489His)

Gene: DNAAF2 (dynein axonemal assembly factor 2; minus strand). Cytogenetic location: 14q21.3.
Variant type: single nucleotide variant.
Coding change: c.1465G>C on transcript NM_018139.3 (MANE Select); coding-DNA position 1465, G replaced by C.
Protein change: p.Asp489His; replaces aspartic acid 489 with histidine.
Molecular consequence: missense variant. On other transcripts: 5 prime UTR variant (1).
Genome position (GRCh38, 1-based): chr14:49,633,685, C>G on the plus strand (G>C on the coding strand, the complement: DNAAF2 is on the minus strand). VCF-style: chr14-49633685-C-G. GRCh37 (hg19) VCF-style: chr14-50100403-C-G.
Other names: c.1465G>C (NM_018139.2); c.1465G>C, p.Asp489His (NM_001083908.2); c.-407G>C (NM_001378453.1); short protein forms D489H.
Identifiers: ClinVar variation 2174365 (VCV002174365.3), dbSNP rs946095833, ClinGen allele CA260668169.
Genomic context (GRCh38, chr14:49,633,685, plus strand): 5'-CGCAGGCTGAGCGCTGGCCGCCCGTGCCCTCCGACTCCTCGCGTGTTTCCACACTGCTAT[C>G]TCCGCGCGCACTCTCTCTTCCCGCAGAAGAACCCCACGCCAGGCTCCGGGAGGACAAACA-3'
Protein context (NP_060609.2, residues 479-499): SSAGRESARG[Asp489His]SSVETREESE